The following is an entry in ClinVar:

NM_199242.3(UNC13D):c.2477_2480del (p.Leu826fs)

Gene: UNC13D (unc-13 homolog D; minus strand). Cytogenetic location: 17q25.1.
Variant type: Deletion.
Coding change: c.2477_2480del on transcript NM_199242.3 (MANE Select); coding-DNA positions 2477 to 2480, 4 bases deleted (TCAC; older notation c.2477_2480delTCAC).
Protein change: p.Leu826fs; shifts the reading frame from leucine 826.
Molecular consequence: frameshift variant.
Genome position (GRCh38, 1-based): chr17:75,831,316-75,831,319, GTGA deleted on the plus strand (TCAC on the coding strand, the reverse complement: UNC13D is on the minus strand); deleting any 4 consecutive bases within chr17:75,831,316-75,831,322 gives the same sequence; the c. name uses the placement nearest the transcript's 3' end. VCF-style (leftmost placement, unchanged base first): chr17-75831315-TGTGA-T. GRCh37 (hg19) VCF-style: chr17-73827396-TGTGA-T.
Other names: c.2477_2480delTCAC (NM_199242.2); short protein forms L826fs.
Identifiers: ClinVar variation 944890 (VCV000944890.14), dbSNP rs1446025324, ClinGen allele CA627419987.

ClinVar aggregate classification (germline): Pathogenic. Review status: criteria provided, multiple submitters, no conflicts (2 of 4 stars). 4 submissions from 4 submitters: Pathogenic (2). 2 of the submissions do not count toward it. Last evaluated 2025-01-28.

Conditions:
UNC13D-related disorder. Also called: UNC13D-related condition.
Familial hemophagocytic lymphohistiocytosis 3 (FHL3). Also called: UNC13D-Related Familial Hemophagocytic Lymphohistiocytosis (UNC13D-fHLH). Identifiers: Orphanet 540, MedGen C1837174, MONDO:0012146, OMIM 608898.

Submissions (4):

PreventionGenetics, part of Exact Sciences
Classification: Pathogenic for UNC13D-related condition. Last evaluated: 2025-01-28. Review status: criteria provided, single submitter. Criteria: ACMG Guidelines, 2015. Collection method: clinical testing. Allele origin: germline.
Comment: The UNC13D c.2477_2480delTCAC variant is predicted to result in a frameshift and premature protein termination (p.Leu826Glnfs*20). This variant has been reported in the compound heterozygous and homozygous states in individuals with familial hemophagocytic lymphohistiocytosis (Sieni et al. 2011. PubMed ID: 21248318; Table S4, Diderich et al. 2020. PubMed ID: 33249554; Table S3, Elsink et al. 2022. PubMed ID: 34992599). This variant is reported in 0.0036% of alleles in individuals of European (Non-Finnish) descent in gnomAD. Frameshift variants in UNC13D are expected to be pathogenic. This variant is interpreted as pathogenic.

Labcorp Genetics (formerly Invitae), Labcorp
Classification: Pathogenic for Familial hemophagocytic lymphohistiocytosis 3. Last evaluated: 2023-12-01. Review status: criteria provided, single submitter. Criteria: Invitae Variant Classification Sherloc (09022015). Collection method: clinical testing. Allele origin: germline.
Comment: This sequence change creates a premature translational stop signal (p.Leu826Glnfs*20) in the UNC13D gene. It is expected to result in an absent or disrupted protein product. Loss-of-function variants in UNC13D are known to be pathogenic (PMID: 14622600). This variant is present in population databases (no rsID available, gnomAD 0.004%). This premature translational stop signal has been observed in individual(s) with familial hemophagocytic lymphohistiocytosis (PMID: 19704116, 21248318). ClinVar contains an entry for this variant (Variation ID: 944890). For these reasons, this variant has been classified as Pathogenic.

Clinical Genetics DNA and cytogenetics Diagnostics Lab, Erasmus MC, Erasmus Medical Center
Classification: Pathogenic. Review status: no assertion criteria provided. Collection method: clinical testing. Allele origin: germline. Affected: yes. Study: VKGL Data-share Consensus. Not counted in ClinVar's aggregate classification.

Diagnostic Laboratory, Department of Genetics, University Medical Center Groningen
Classification: Pathogenic. Review status: no assertion criteria provided. Collection method: clinical testing. Allele origin: germline. Affected: yes. Study: VKGL Data-share Consensus. Not counted in ClinVar's aggregate classification.

Literature cited by the submitters: PubMed 14622600 (cited by Labcorp Genetics (formerly Invitae), Labcorp); PubMed 19704116 (cited by Labcorp Genetics (formerly Invitae), Labcorp); PubMed 21248318 (cited by Labcorp Genetics (formerly Invitae), Labcorp).